The following is an entry in ClinVar:

ClinVar aggregate classification (germline): Benign/Likely benign. Review status: criteria provided, multiple submitters, no conflicts (2 of 4 stars). 3 submissions from 3 submitters: Benign (1); Likely benign (2). Last evaluated 2026-02-03.

Conditions:
Hereditary cancer-predisposing syndrome. Also called: Hereditary Cancer Syndrome; Hereditary neoplastic syndrome; Tumor predisposition; Neoplastic Syndromes, Hereditary. Identifiers: Orphanet 140162, MedGen C0027672, MeSH D009386, MONDO:0015356.
Von Hippel-Lindau syndrome (VHLS). Also called: Von Hippel-Lindau; von Hippel–Lindau syndrome; VHL syndrome. Identifiers: Orphanet 892, MedGen C0019562, MONDO:0008667, OMIM 193300. Disease mechanism: loss of function.
Chuvash polycythemia. Also called: POLYCYTHEMIA, VHL-DEPENDENT. Identifiers: Orphanet 238557, MedGen C1837915, MONDO:0009892, OMIM 263400.

gnomAD v4.1: 2 of 1,535,696 alleles (0.00013%); no homozygotes.

Submissions (3):

Labcorp Genetics (formerly Invitae), Labcorp
Classification: Likely benign for Von Hippel-Lindau syndrome; Chuvash polycythemia. Last evaluated: 2026-02-03. Review status: criteria provided, single submitter. Criteria: Invitae Variant Classification Sherloc (09022015). Collection method: clinical testing. Allele origin: germline.

Myriad Genetics, Inc.
Classification: Benign for Von Hippel-Lindau syndrome. Last evaluated: 2025-06-10. Review status: criteria provided, single submitter. Criteria: Myriad Autosomal Dominant, Autosomal Recessive and X-Linked Classification Criteria (2023). Collection method: clinical testing. Allele origin: unknown.
Comment: This variant is considered benign. This variant is a silent/synonymous amino acid change and it is not expected to impact splicing.

Ambry Genetics
Classification: Likely benign for Hereditary cancer-predisposing syndrome. Last evaluated: 2024-06-12. Review status: criteria provided, single submitter. Criteria: Ambry Variant Classification Scheme 2023. Collection method: clinical testing. Allele origin: germline.

NM_000551.4(VHL):c.6C>G (p.Pro2=)

Gene: VHL (von Hippel-Lindau tumor suppressor; plus strand). Cytogenetic location: 3p25.3.
Variant type: single nucleotide variant.
Coding change: c.6C>G on transcript NM_000551.4 (MANE Select); coding-DNA position 6, C replaced by G.
Protein change: p.Pro2=; no amino-acid change (proline 2 retained).
Molecular consequence: synonymous variant.
Genome position (GRCh38, 1-based): chr3:10,141,853, C>G. VCF-style: chr3-10141853-C-G. GRCh37 (hg19) VCF-style: chr3-10183537-C-G.
Other names: c.6C>G, p.Pro2= (NM_001354723.2, NM_198156.3).
Identifiers: ClinVar variation 456593 (VCV000456593.11), dbSNP rs1014417508, ClinGen allele CA432536118.